The following is an entry in ClinVar:

ClinVar aggregate classification (germline): Benign/Likely benign. Review status: criteria provided, multiple submitters, no conflicts (2 of 4 stars). 7 submissions from 7 submitters: Benign (1); Likely benign (6). Last evaluated 2025-11-23.

Conditions:
Juvenile polyposis syndrome (JPS). Identifiers: Orphanet 2929, MedGen C0345893, MONDO:0017380, OMIM 174900.
Hereditary cancer-predisposing syndrome. Also called: Neoplastic Syndromes, Hereditary; Hereditary Cancer Syndrome; Tumor predisposition; Hereditary neoplastic syndrome. Identifiers: Orphanet 140162, MedGen C0027672, MeSH D009386, MONDO:0015356.

Allele frequency attached by ClinVar (database versions not stated): gnomAD 0.00001 and 0.00002; TOPMed 0.00002; gnomAD exomes 0.00004; ExAC 0.00005; 1000 Genomes Project 30x 0.00016; 1000 Genomes Project 0.00020.
gnomAD v4.1: 25 of 1,613,010 alleles (0.0015%); highest among the groups gnomAD compares: Non-Finnish European, 0.00051%; no homozygotes.

Submissions (7):

Labcorp Genetics (formerly Invitae), Labcorp
Classification: Likely benign for Juvenile polyposis syndrome. Last evaluated: 2025-11-23. Review status: criteria provided, single submitter. Criteria: Invitae Variant Classification Sherloc (09022015). Collection method: clinical testing. Allele origin: germline.

All of Us Research Program, National Institutes of Health
Classification: Likely benign for Juvenile polyposis syndrome. Last evaluated: 2024-08-06. Review status: criteria provided, single submitter. Criteria: ACMG Guidelines, 2015. Collection method: clinical testing. Allele origin: germline. Inheritance: Autosomal dominant inheritance. Observed: 4 variant alleles, 4 heterozygotes.
Comment: This study involves interpretation of variants in research participants for the purpose of population health screening. Participant phenotype was not available at the time of variant classification. Additional details can be found in publication PMID: 35346344, PMCID: PMC8962531

Myriad Genetics, Inc.
Classification: Benign for Juvenile polyposis syndrome. Last evaluated: 2024-08-06. Review status: criteria provided, single submitter. Criteria: Myriad Autosomal Dominant, Autosomal Recessive and X-Linked Classification Criteria (2023). Collection method: clinical testing. Allele origin: unknown.
Comment: This variant is considered benign. This variant is a silent/synonymous amino acid change and it is not expected to impact splicing.

Blueprint Genetics
Classification: Likely benign. Last evaluated: 2023-01-16. Review status: criteria provided, single submitter. Criteria: ACMG Guidelines, 2015. Collection method: clinical testing. Allele origin: germline.

Sema4
Classification: Likely benign for Hereditary cancer-predisposing syndrome. Last evaluated: 2021-09-08. Review status: criteria provided, single submitter. Criteria: Sema4 Curation Guidelines. Collection method: curation. Allele origin: germline.

Color Diagnostics, LLC DBA Color Health
Classification: Likely benign for Hereditary cancer-predisposing syndrome. Last evaluated: 2017-07-25. Review status: criteria provided, single submitter. Criteria: ACMG Guidelines, 2015. Collection method: clinical testing. Allele origin: germline.

Ambry Genetics
Classification: Likely benign for Hereditary cancer-predisposing syndrome. Last evaluated: 2015-05-22. Review status: criteria provided, single submitter. Criteria: Ambry Variant Classification Scheme 2023. Collection method: clinical testing. Allele origin: germline.

NM_004329.3(BMPR1A):c.1086C>T (p.Asp362=)

Gene: BMPR1A (bone morphogenetic protein receptor type 1A; plus strand). Cytogenetic location: 10q23.2.
Variant type: single nucleotide variant.
Coding change: c.1086C>T on transcript NM_004329.3 (MANE Select); coding-DNA position 1086, C replaced by T.
Protein change: p.Asp362=; no amino-acid change (aspartic acid 362 retained).
Molecular consequence: synonymous variant.
Genome position (GRCh38, 1-based): chr10:86,919,389, C>T. VCF-style: chr10-86919389-C-T. GRCh37 (hg19) VCF-style: chr10-88679146-C-T.
Identifiers: ClinVar variation 232023 (VCV000232023.22), dbSNP rs201415408, ClinGen allele CA5585652.